The following is an entry in ClinVar:

ClinVar aggregate classification (germline): Uncertain significance (1 of 4 stars; one submission).

Allele frequency attached by ClinVar (database versions not stated): gnomAD 0.00001; gnomAD exomes 0.00002; ESP Exome Variant Server 0.00009.

Submission:

Labcorp Genetics (formerly Invitae), Labcorp
Classification: Uncertain significance. Last evaluated: 2021-08-26. Review status: criteria provided, single submitter. Criteria: Invitae Variant Classification Sherloc (09022015). Collection method: clinical testing. Allele origin: germline.
Comment: This sequence change replaces alanine with threonine at codon 80 of the LAMC3 protein (p.Ala80Thr). The alanine residue is moderately conserved and there is a small physicochemical difference between alanine and threonine. The frequency data for this variant in the population databases is considered unreliable, as metrics indicate poor data quality at this position in the ExAC database. This variant has not been reported in the literature in individuals affected with LAMC3-related conditions. Algorithms developed to predict the effect of missense changes on protein structure and function (SIFT, PolyPhen-2, Align-GVGD) all suggest that this variant is likely to be tolerated. In summary, the available evidence is currently insufficient to determine the role of this variant in disease. Therefore, it has been classified as a Variant of Uncertain Significance.

NM_006059.4(LAMC3):c.238G>A (p.Ala80Thr)

Gene: LAMC3 (laminin subunit gamma 3; plus strand). Cytogenetic location: 9q34.12.
Variant type: single nucleotide variant.
Coding change: c.238G>A on transcript NM_006059.4 (MANE Select); coding-DNA position 238, G replaced by A.
Protein change: p.Ala80Thr; replaces alanine 80 with threonine.
Molecular consequence: missense variant.
Genome position (GRCh38, 1-based): chr9:131,009,452, G>A. VCF-style: chr9-131009452-G-A. GRCh37 (hg19) VCF-style: chr9-133884839-G-A.
Other names: short protein forms A80T.
Identifiers: ClinVar variation 1468426 (VCV001468426.5), dbSNP rs368449220, ClinGen allele CA5286639.
Genomic context (GRCh38, chr9:131,009,452, plus strand): 5'-GACTTCTGTCCCCACGTGGGCGCCGCGGGCGCGGGGGCTCATTGCCAGCGCTGCGACGCC[G>A]CCGACCCCCAGCGCCACCACAACGCCTCCTACCTCACCGACTTCCACAGCCAGGACGAGA-3'
Protein context (NP_006050.3, residues 70-90): AGAHCQRCDA[Ala80Thr]DPQRHHNASY